The following is an entry in ClinVar:

ClinVar aggregate classification (germline): Likely pathogenic (1 of 4 stars; one submission).

Conditions:
Mucopolysaccharidosis, MPS-IV-A (MPS4A). Also called: Mucopolysaccharidosis type IV A; Mucopolysaccharidosis Type IVA; Morquio syndrome A, mild; MORQUIO SYNDROME A; MPS IVA; mucopolysaccharidosis type 4A. Identifiers: Orphanet 309297, Orphanet 582, MedGen C0086651, MONDO:0009659, OMIM 253000.

Submission:

Laboratory of Diagnosis and Therapy of Lysosomal Disorders, University of Padova
Classification: Likely pathogenic for Mucopolysaccharidosis, MPS-IV-A. Last evaluated: 2021-02-01. Review status: criteria provided, single submitter. Criteria: ACMG Guidelines, 2015. Collection method: curation. Allele origin: germline. Affected: yes.
Comment: Frameshift variant (PVS1_very strong); absent from gnomAD v2.1.1 (PM2_moderate)

Literature cited by the submitters: PubMed 24389823; PubMed 34387910.

NM_000512.5(GALNS):c.554del (p.Glu185fs)

Gene: GALNS (galactosamine (N-acetyl)-6-sulfatase; minus strand). Cytogenetic location: 16q24.3.
Variant type: Deletion.
Coding change: c.554del on transcript NM_000512.5 (MANE Select); coding-DNA position 554, one base deleted (A; older notation c.554delA).
Protein change: p.Glu185fs; shifts the reading frame from glutamic acid 185.
Molecular consequence: frameshift variant. On other transcripts: 5 prime UTR variant (1).
Genome position (GRCh38, 1-based): chr16:88,837,634, T deleted on the plus strand (A on the coding strand, the reverse complement: GALNS is on the minus strand). VCF-style (leftmost placement, unchanged base first): chr16-88837633-CT-C. GRCh37 (hg19) VCF-style: chr16-88904041-CT-C.
Other names: c.-2del (NM_001323543.2); c.572del, p.Glu191fs (NM_001323544.2); short protein forms E185fs, E191fs.
Identifiers: ClinVar variation 1048405 (VCV001048405.3), dbSNP rs2143002326, ClinGen allele CA2499223760.